The following is an entry in ClinVar:

ClinVar aggregate classification (germline): Uncertain significance (1 of 4 stars; one submission).

Conditions:
Hereditary nonpolyposis colorectal neoplasms. Identifiers: MedGen C0009405, MeSH D003123.

Allele frequency attached by ClinVar (database versions not stated): gnomAD exomes below 0.00001.
gnomAD v4.1: 1 of 1,601,468 alleles (0.000062%); highest among the groups gnomAD compares: African/African-American, 0.0014%; no homozygotes.

Submission:

Labcorp Genetics (formerly Invitae), Labcorp
Classification: Uncertain significance for Hereditary nonpolyposis colorectal neoplasms. Last evaluated: 2021-02-12. Review status: criteria provided, single submitter. Criteria: Invitae Variant Classification Sherloc (09022015). Collection method: clinical testing. Allele origin: germline.
Comment: In summary, the available evidence is currently insufficient to determine the role of this variant in disease. Therefore, it has been classified as a Variant of Uncertain Significance. Advanced modeling of protein sequence and biophysical properties (such as structural, functional, and spatial information, amino acid conservation, physicochemical variation, residue mobility, and thermodynamic stability) performed at Invitae indicates that this missense variant is not expected to disrupt PMS2 protein function. This variant has not been reported in the literature in individuals with PMS2-related conditions. This variant is not present in population databases (ExAC no frequency). This sequence change replaces aspartic acid with histidine at codon 249 of the PMS2 protein (p.Asp249His). The aspartic acid residue is weakly conserved and there is a moderate physicochemical difference between aspartic acid and histidine.

NM_000535.7(PMS2):c.745G>C (p.Asp249His)

Gene: PMS2 (PMS1 homolog 2, mismatch repair system component; minus strand). Cytogenetic location: 7p22.1.
Variant type: single nucleotide variant.
Coding change: c.745G>C on transcript NM_000535.7 (MANE Select); coding-DNA position 745, G replaced by C.
Protein change: p.Asp249His; replaces aspartic acid 249 with histidine.
Molecular consequence: missense variant. On other transcripts: 5 prime UTR variant (2), non-coding transcript variant (1).
Genome position (GRCh38, 1-based): chr7:5,997,384, C>G on the plus strand (G>C on the coding strand, the complement: PMS2 is on the minus strand). VCF-style: chr7-5997384-C-G. GRCh37 (hg19) VCF-style: chr7-6037015-C-G.
Other names: c.340G>C, p.Asp114His (NM_001322003.2, NM_001322004.2, NM_001322005.2 and 2 more transcripts); c.745G>C, p.Asp249His (NM_001322006.2, NM_001322014.2); c.427G>C, p.Asp143His (NM_001322007.2, NM_001322008.2); c.-189G>C (NM_001322011.2, NM_001322012.2); c.172G>C, p.Asp58His (NM_001322013.2); c.436G>C, p.Asp146His (NM_001322015.2); short protein forms D114H, D58H, D146H, D143H, D249H.
Identifiers: ClinVar variation 1479294 (VCV001479294.8), dbSNP rs1244322338, ClinGen allele CA366743721.